The following is an entry in ClinVar:

NM_020937.4(FANCM):c.4263G>C (p.Glu1421Asp)

Gene: FANCM (FA complementation group M; plus strand). Cytogenetic location: 14q21.2.
Variant type: single nucleotide variant.
Coding change: c.4263G>C on transcript NM_020937.4 (MANE Select); coding-DNA position 4263, G replaced by C.
Protein change: p.Glu1421Asp; replaces glutamic acid 1421 with aspartic acid.
Molecular consequence: missense variant.
Genome position (GRCh38, 1-based): chr14:45,181,470, G>C. VCF-style: chr14-45181470-G-C. GRCh37 (hg19) VCF-style: chr14-45650673-G-C.
Other names: c.4185G>C, p.Glu1395Asp (NM_001308133.2); short protein forms E1395D, E1421D.
Identifiers: ClinVar variation 4022782 (VCV004022782.1).

ClinVar aggregate classification (germline): Uncertain significance (1 of 4 stars; one submission).

Conditions:
Inborn genetic diseases. Identifiers: MedGen C0950123, MeSH D030342.

Submission:

Ambry Genetics
Classification: Uncertain significance for Inborn genetic diseases. Last evaluated: 2025-05-16. Review status: criteria provided, single submitter. Criteria: Ambry Variant Classification Scheme 2023. Collection method: clinical testing. Allele origin: germline.
Comment: The p.E1421D variant (also known as c.4263G>C), located in coding exon 15 of the FANCM gene, results from a G to C substitution at nucleotide position 4263. The glutamic acid at codon 1421 is replaced by aspartic acid, an amino acid with highly similar properties. This amino acid position is conserved. In addition, this alteration is predicted to be tolerated by in silico analysis. Based on the available evidence, the clinical significance of this variant remains unclear.